The following is an entry in ClinVar:

NM_001013627.3(NHSL2):c.2774G>A (p.Arg925Gln)

Gene: NHSL2 (NHS like 2; plus strand). Cytogenetic location: Xq13.1.
Variant type: single nucleotide variant.
Coding change: c.2774G>A on transcript NM_001013627.3 (MANE Select); coding-DNA position 2774, G replaced by A.
Protein change: p.Arg925Gln; replaces arginine 925 with glutamine.
Molecular consequence: missense variant.
Genome position (GRCh38, 1-based): chrX:72,140,322, G>A. VCF-style: chrX-72140322-G-A. GRCh37 (hg19) VCF-style: chrX-71360172-G-A.
Other names: c.2774G>A (NM_001013627.2); short protein forms R925Q.
Identifiers: ClinVar variation 2660902 (VCV002660902.25), dbSNP rs141959252, ClinGen allele CA10449113.
Genomic context (GRCh38, chrX:72,140,322, plus strand): 5'-CCCCCAGGAGCTCAATTCAACATGCGAGACCACTCCCTCAAGACAGCTACACGGTAGTGC[G>A]GAAACCAAAGCCCTCCAGCTTCCCAGATGGCAGAAGCCCAGGGGAGTCAACAGCACCCTC-3'
Protein context (NP_001013649.2, residues 915-935): PLPQDSYTVV[Arg925Gln]KPKPSSFPDG

ClinVar aggregate classification (germline): Conflicting classifications of pathogenicity. Review status: criteria provided, conflicting classifications (1 of 4 stars). 2 submissions from 2 submitters: Uncertain significance (1); Likely benign (1). Last evaluated 2024-12-02.

Allele frequency attached by ClinVar (database versions not stated): ExAC 0.00005; gnomAD exomes 0.00007; gnomAD 0.00011; TOPMed 0.00015; ESP Exome Variant Server 0.00019; 1000 Genomes Project 0.00026; 1000 Genomes Project 30x 0.00042.
gnomAD v4.1: 92 of 1,209,044 alleles (0.0076%); highest among the groups gnomAD compares: Admixed American, 0.011%; no homozygotes.

Submissions (2):

Ambry Genetics
Classification: Uncertain significance. Last evaluated: 2024-12-02. Review status: criteria provided, single submitter. Criteria: Ambry Variant Classification Scheme 2023. Collection method: clinical testing. Allele origin: germline.

CeGaT Center for Human Genetics Tuebingen
Classification: Likely benign. Last evaluated: 2023-01-01. Review status: criteria provided, single submitter. Criteria: CeGaT Center For Human Genetics Tuebingen Variant Classification Criteria Version 2. Collection method: clinical testing. Allele origin: germline. Affected: yes. Observed: 1 variant allele.
Comment: NHSL2: BP4, BS2